The following is an entry in ClinVar:

ClinVar aggregate classification (germline): Uncertain significance. Review status: criteria provided, multiple submitters, no conflicts (2 of 4 stars). 2 submissions from 2 submitters: Uncertain significance (2). Last evaluated 2025-08-05.

Allele frequency attached by ClinVar (database versions not stated): gnomAD exomes 0.00002; gnomAD 0.00005; ExAC 0.00008; 1000 Genomes Project 30x 0.00042; 1000 Genomes Project 0.00053.
gnomAD v4.1: 31 of 1,209,275 alleles (0.0026%); highest among the groups gnomAD compares: South Asian, 0.051%; no homozygotes.

Submissions (2):

Labcorp Genetics (formerly Invitae), Labcorp
Classification: Uncertain significance. Last evaluated: 2025-08-05. Review status: criteria provided, single submitter. Criteria: Invitae Variant Classification Sherloc (09022015). Collection method: clinical testing. Allele origin: germline.
Comment: This sequence change replaces glycine, which is neutral and non-polar, with arginine, which is basic and polar, at codon 907 of the DRP2 protein (p.Gly907Arg). This variant is present in population databases (rs575075803, gnomAD 0.07%), and has an allele count higher than expected for a pathogenic variant. This variant has not been reported in the literature in individuals affected with DRP2-related conditions. ClinVar contains an entry for this variant (Variation ID: 2472211). An algorithm developed to predict the effect of missense changes on protein structure and function (PolyPhen-2) suggests that this variant is likely to be tolerated. In summary, the available evidence is currently insufficient to determine the role of this variant in disease. Therefore, it has been classified as a Variant of Uncertain Significance.

Ambry Genetics
Classification: Uncertain significance. Last evaluated: 2023-02-07. Review status: criteria provided, single submitter. Criteria: Ambry Variant Classification Scheme 2023. Collection method: clinical testing. Allele origin: germline.

NM_001939.3(DRP2):c.2719G>A (p.Gly907Arg)

Gene: DRP2 (dystrophin related protein 2; plus strand). Cytogenetic location: Xq22.1.
Variant type: single nucleotide variant.
Coding change: c.2719G>A on transcript NM_001939.3 (MANE Select); coding-DNA position 2719, G replaced by A.
Protein change: p.Gly907Arg; replaces glycine 907 with arginine.
Molecular consequence: missense variant.
Genome position (GRCh38, 1-based): chrX:101,260,139, G>A. VCF-style: chrX-101260139-G-A. GRCh37 (hg19) VCF-style: chrX-100515128-G-A.
Other names: c.2485G>A, p.Gly829Arg (NM_001171184.2); short protein forms G907R, G829R.
Identifiers: ClinVar variation 2472211 (VCV002472211.3), dbSNP rs575075803, ClinGen allele CA10472520.